The following is an entry in ClinVar:

ClinVar aggregate classification (germline): Conflicting classifications of pathogenicity. Review status: criteria provided, conflicting classifications (1 of 4 stars). 3 submissions from 3 submitters: Likely pathogenic (2); Uncertain significance (1). Last evaluated 2025-04-30.

Submissions (3):

GeneDx
Classification: Likely pathogenic. Last evaluated: 2025-04-30. Review status: criteria provided, single submitter. Criteria: GeneDx Variant Classification Process June 2021. Collection method: clinical testing. Allele origin: germline. Affected: yes.
Comment: Identified in patients with CHM-related disorders in published literature (PMID: 31181178, Scott2022[FunctionalStudy]); Published functional studies demonstrate a damaging effect with the variant resulting in the skipping of exon 7 in approximately 2/3 of transcripts analyzed (PMID: Scott2022[FunctionalStudy]); Not observed at significant frequency in large population cohorts (gnomAD); This variant is associated with the following publications: (PMID: 35886051, Scott2022[FunctionalStudy], 38219857, 31181178, 39127396)

Labcorp Genetics (formerly Invitae), Labcorp
Classification: Likely pathogenic. Last evaluated: 2024-05-04. Review status: criteria provided, single submitter. Criteria: Invitae Variant Classification Sherloc (09022015). Collection method: clinical testing. Allele origin: germline.
Comment: This sequence change replaces glycine, which is neutral and non-polar, with arginine, which is basic and polar, at codon 314 of the CHM protein (p.Gly314Arg). This variant also falls at the last nucleotide of exon 7, which is part of the consensus splice site for this exon. This variant is not present in population databases (gnomAD no frequency). This missense change has been observed in individuals with clinical features of choroideremia (PMID: 31181178; Invitae). ClinVar contains an entry for this variant (Variation ID: 839475). An algorithm developed to predict the effect of missense changes on protein structure and function (PolyPhen-2) suggests that this variant is likely to be tolerated. Variants that disrupt the consensus splice site are a relatively common cause of aberrant splicing (PMID: 17576681, 9536098). Algorithms developed to predict the effect of sequence changes on RNA splicing suggest that this variant may disrupt the consensus splice site. In summary, the currently available evidence indicates that the variant is pathogenic, but additional data are needed to prove that conclusively. Therefore, this variant has been classified as Likely Pathogenic.

Blueprint Genetics
Classification: Uncertain significance. Last evaluated: 2023-04-17. Review status: criteria provided, single submitter. Criteria: ACMG Guidelines, 2015. Collection method: clinical testing. Allele origin: germline.

Literature cited by the submitters: PubMed 31181178 (cited by Labcorp Genetics (formerly Invitae), Labcorp); PubMed 17576681 (cited by Labcorp Genetics (formerly Invitae), Labcorp); PubMed 9536098 (cited by Labcorp Genetics (formerly Invitae), Labcorp).

NM_000390.4(CHM):c.940G>A (p.Gly314Arg)

Gene: CHM (CHM Rab escort protein; minus strand). Cytogenetic location: Xq21.2.
Variant type: single nucleotide variant.
Coding change: c.940G>A on transcript NM_000390.4 (MANE Select); coding-DNA position 940, G replaced by A.
Protein change: p.Gly314Arg; replaces glycine 314 with arginine.
Molecular consequence: missense variant.
Genome position (GRCh38, 1-based): chrX:85,957,855, C>T on the plus strand (G>A on the coding strand, the complement: CHM is on the minus strand). VCF-style: chrX-85957855-C-T. GRCh37 (hg19) VCF-style: chrX-85212860-C-T.
Other names: c.496G>A, p.Gly166Arg (NM_001320959.1, NM_001362517.1, NM_001362518.2 and 1 more transcripts); short protein forms G314R, G166R.
Identifiers: ClinVar variation 839475 (VCV000839475.9), dbSNP rs1930082958, ClinGen allele CA413785642.